The following is an entry in ClinVar:

ClinVar aggregate classification (germline): Pathogenic (1 of 4 stars; one submission).

Conditions:
Neuronal ceroid lipofuscinosis. Also called: Neuronal Ceroid Lipofuscinoses. Identifiers: Orphanet 216, Orphanet 79263, MedGen C0027877, MONDO:0016295. Disease mechanism: loss of function.

Submission:

Labcorp Genetics (formerly Invitae), Labcorp
Classification: Pathogenic for Neuronal ceroid lipofuscinosis. Last evaluated: 2025-04-19. Review status: criteria provided, single submitter. Criteria: Invitae Variant Classification Sherloc (09022015). Collection method: clinical testing. Allele origin: germline.
Comment: This sequence change creates a premature translational stop signal (p.Ala314Glyfs*17) in the CTSD gene. It is expected to result in an absent or disrupted protein product. Loss-of-function variants in CTSD are known to be pathogenic (PMID: 16670177, 26059544). This variant is not present in population databases (gnomAD no frequency). This variant has not been reported in the literature in individuals affected with CTSD-related conditions. For these reasons, this variant has been classified as Pathogenic.

Literature cited by the submitters: PubMed 16670177; PubMed 26059544.

NM_001909.5(CTSD):c.940dup (p.Ala314fs)

Gene: CTSD (cathepsin D; minus strand). Cytogenetic location: 11p15.5.
Variant type: Duplication.
Coding change: c.940dup on transcript NM_001909.5 (MANE Select); coding-DNA position 940, one base duplicated (G; older notation c.940dupG).
Protein change: p.Ala314fs; shifts the reading frame from alanine 314.
Molecular consequence: frameshift variant.
Genome position (GRCh38, 1-based): chr11:1,754,026, C duplicated on the plus strand (G on the coding strand, the reverse complement: CTSD is on the minus strand); the first of 2 consecutive C bases (chr11:1,754,026-1,754,027); duplicating either gives the same sequence. VCF-style (leftmost placement, unchanged base first): chr11-1754025-G-GC. GRCh37 (hg19) VCF-style: chr11-1775255-G-GC.
Other names: short protein forms A314fs.
Identifiers: ClinVar variation 4710281 (VCV004710281.1).